The following is an entry in ClinVar:

NM_017752.3(TBC1D8B):c.1213A>G (p.Ser405Gly)

Gene: TBC1D8B (TBC1 domain family member 8B; plus strand). Cytogenetic location: Xq22.3.
Variant type: single nucleotide variant.
Coding change: c.1213A>G on transcript NM_017752.3 (MANE Select); coding-DNA position 1213, A replaced by G.
Protein change: p.Ser405Gly; replaces serine 405 with glycine.
Molecular consequence: missense variant.
Genome position (GRCh38, 1-based): chrX:106,839,317, A>G. VCF-style: chrX-106839317-A-G. GRCh37 (hg19) VCF-style: chrX-106082547-A-G.
Other names: c.1213A>G, p.Ser405Gly (NM_198881.2); short protein forms S405G.
Identifiers: ClinVar variation 2050784 (VCV002050784.5), dbSNP rs779481955, ClinGen allele CA10483102.
Genomic context (GRCh38, chrX:106,839,317, plus strand): 5'-TTGTAGAAACGTAAGCATGCATCTGGGACAACTACATTCTTTCTTTTTCAGCTTGCTATT[A>G]GTTCTGAGTCTACAGAGCCATCTGATAATTTTGAGGTGCAATCTTTGACAAGTCAGAGGG-3'
Protein context (NP_060222.2, residues 395-415): YHDISTELAI[Ser405Gly]SESTEPSDNF

ClinVar aggregate classification (germline): Uncertain significance (1 of 4 stars; one submission).

Allele frequency attached by ClinVar (database versions not stated): TOPMed 0.00001; ExAC 0.00001.
gnomAD v4.1: 4 of 1,148,813 alleles (0.00035%); highest among the groups gnomAD compares: Admixed American, 0.011%; no homozygotes.

Submissions (2):

Labcorp Genetics (formerly Invitae), Labcorp
Classification: Uncertain significance. Last evaluated: 2025-06-12. Review status: criteria provided, single submitter. Criteria: Invitae Variant Classification Sherloc (09022015). Collection method: clinical testing. Allele origin: germline.
Comment: This sequence change replaces serine, which is neutral and polar, with glycine, which is neutral and non-polar, at codon 405 of the TBC1D8B protein (p.Ser405Gly). This variant is present in population databases (rs779481955, gnomAD 0.006%). This variant has not been reported in the literature in individuals affected with TBC1D8B-related conditions. ClinVar contains an entry for this variant (Variation ID: 2050784). An algorithm developed to predict the effect of missense changes on protein structure and function outputs the following: PolyPhen-2: "Benign". The glycine amino acid residue is found in multiple mammalian species, which suggests that this missense change does not adversely affect protein function. In summary, the available evidence is currently insufficient to determine the role of this variant in disease. Therefore, it has been classified as a Variant of Uncertain Significance.

Dr. Peter K. Rogan Lab, Western University
No classification provided (evidence only). Condition: Nonpapillary renal cell carcinoma. Review status: no classification provided. Collection method: in vitro. Allele origin: not applicable. Functional consequence: retained intron. Not counted in ClinVar's aggregate classification.